The following is an entry in ClinVar:

NM_000057.4(BLM):c.4060G>A (p.Gly1354Ser)

Gene: BLM (BLM RecQ like helicase; plus strand). Cytogenetic location: 15q26.1.
Variant type: single nucleotide variant.
Coding change: c.4060G>A on transcript NM_000057.4 (MANE Select); coding-DNA position 4060, G replaced by A.
Protein change: p.Gly1354Ser; replaces glycine 1354 with serine.
Molecular consequence: missense variant.
Genome position (GRCh38, 1-based): chr15:90,811,390, G>A. VCF-style: chr15-90811390-G-A. GRCh37 (hg19) VCF-style: chr15-91354620-G-A.
Other names: c.4060G>A, p.Gly1354Ser (NM_001287246.2); c.3667G>A, p.Gly1223Ser (NM_001287247.2); c.2935G>A, p.Gly979Ser (NM_001287248.2); short protein forms G1223S, G1354S, G979S.
Identifiers: ClinVar variation 4622541 (VCV004622541.2).

ClinVar aggregate classification (germline): Uncertain significance. Review status: criteria provided, multiple submitters, no conflicts (2 of 4 stars). 2 submissions from 2 submitters: Uncertain significance (2). Last evaluated 2025-09-25.

Conditions:
Bloom syndrome (BLM). Also called: Bloom-Torre-Machacek syndrome. Identifiers: Orphanet 125, MedGen C0005859, MONDO:0008876, OMIM 210900.
Hereditary cancer-predisposing syndrome. Also called: Neoplastic Syndromes, Hereditary; Tumor predisposition; Hereditary Cancer Syndrome; Hereditary neoplastic syndrome. Identifiers: Orphanet 140162, MedGen C0027672, MeSH D009386, MONDO:0015356.

Submissions (2):

Ambry Genetics
Classification: Uncertain significance for Hereditary cancer-predisposing syndrome. Last evaluated: 2025-09-25. Review status: criteria provided, single submitter. Criteria: Ambry Variant Classification Scheme 2023. Collection method: clinical testing. Allele origin: germline.
Comment: The p.G1354S variant (also known as c.4060G>A), located in coding exon 20 of the BLM gene, results from a G to A substitution at nucleotide position 4060. The glycine at codon 1354 is replaced by serine, an amino acid with similar properties. This amino acid position is conserved. In addition, this alteration is predicted to be tolerated by in silico analysis. Based on the available evidence, the clinical significance of this variant remains unclear.

Labcorp Genetics (formerly Invitae), Labcorp
Classification: Uncertain significance for Bloom syndrome. Last evaluated: 2025-03-13. Review status: criteria provided, single submitter. Criteria: Invitae Variant Classification Sherloc (09022015). Collection method: clinical testing. Allele origin: germline.
Comment: This sequence change replaces glycine, which is neutral and non-polar, with serine, which is neutral and polar, at codon 1354 of the BLM protein (p.Gly1354Ser). This variant is not present in population databases (gnomAD no frequency). This variant has not been reported in the literature in individuals affected with BLM-related conditions. Invitae Evidence Modeling of protein sequence and biophysical properties (such as structural, functional, and spatial information, amino acid conservation, physicochemical variation, residue mobility, and thermodynamic stability) indicates that this missense variant is not expected to disrupt BLM protein function with a negative predictive value of 80%. In summary, the available evidence is currently insufficient to determine the role of this variant in disease. Therefore, it has been classified as a Variant of Uncertain Significance.